The following is an entry in ClinVar:

NM_015272.5(RPGRIP1L):c.3449G>A (p.Arg1150Gln)

Gene: RPGRIP1L (RPGRIP1 like; minus strand). Cytogenetic location: 16q12.2.
Variant type: single nucleotide variant.
Coding change: c.3449G>A on transcript NM_015272.5 (MANE Select); coding-DNA position 3449, G replaced by A.
Protein change: p.Arg1150Gln; replaces arginine 1150 with glutamine.
Molecular consequence: missense variant.
Genome position (GRCh38, 1-based): chr16:53,619,192, C>T on the plus strand (G>A on the coding strand, the complement: RPGRIP1L is on the minus strand). VCF-style: chr16-53619192-C-T. GRCh37 (hg19) VCF-style: chr16-53653104-C-T.
Other names: c.3209G>A, p.Arg1070Gln (NM_001127897.4); c.3311G>A, p.Arg1104Gln (NM_001308334.3); c.3347G>A, p.Arg1116Gln (NM_001330538.2); c.3449G>A (NM_015272.4); short protein forms R1070Q, R1116Q, R1104Q, R1150Q.
Identifiers: ClinVar variation 1523470 (VCV001523470.7), dbSNP rs376330325, ClinGen allele CA8057280.

ClinVar aggregate classification (germline): Uncertain significance. Review status: criteria provided, multiple submitters, no conflicts (2 of 4 stars). 3 submissions from 3 submitters: Uncertain significance (2). 1 of the submissions does not count toward it. Last evaluated 2022-10-04.

Conditions:
Joubert syndrome 7 (JBTS7). Identifiers: Orphanet 220497, MedGen C1969053, MONDO:0012694, OMIM 611560.
Meckel syndrome, type 5 (MKS5). Identifiers: Orphanet 564, MedGen C1969052, MONDO:0012695, OMIM 611561.
COACH syndrome 3. Identifiers: MedGen C5436841, MONDO:0030862, OMIM 619113.
Meckel-Gruber syndrome. Also called: DYSENCEPHALIA SPLANCHNOCYSTICA; GRUBER SYNDROME; Dysencephalia splachnocystica. Identifiers: Orphanet 564, MedGen C0265215, MONDO:0018921.
Joubert syndrome. Also called: Familial aplasia of the vermis; JOUBERT-BOLTSHAUSER SYNDROME. Identifiers: Orphanet 475, MedGen C5979921, MONDO:0018772.
RPGRIP1L-related disorder. Also called: RPGRIP1L-related disorders; RPGRIP1L-related condition. Identifiers: MedGen CN239416.

Allele frequency attached by ClinVar (database versions not stated): gnomAD 0.00002 and 0.00003; gnomAD exomes 0.00003; ExAC 0.00004; TOPMed 0.00005; ESP Exome Variant Server 0.00008; 1000 Genomes Project 0.00020; 1000 Genomes Project 30x 0.00031.
gnomAD v4.1: 42 of 1,613,154 alleles (0.0026%); highest among the groups gnomAD compares: Middle Eastern, 0.018%; no homozygotes.

Submissions (3):

Labcorp Genetics (formerly Invitae), Labcorp
Classification: Uncertain significance for Joubert syndrome; Meckel-Gruber syndrome. Last evaluated: 2022-10-04. Review status: criteria provided, single submitter. Criteria: Invitae Variant Classification Sherloc (09022015). Collection method: clinical testing. Allele origin: germline.
Comment: This sequence change replaces arginine, which is basic and polar, with glutamine, which is neutral and polar, at codon 1150 of the RPGRIP1L protein (p.Arg1150Gln). This variant is present in population databases (rs376330325, gnomAD 0.009%). This variant has not been reported in the literature in individuals affected with RPGRIP1L-related conditions. ClinVar contains an entry for this variant (Variation ID: 1523470). Advanced modeling of protein sequence and biophysical properties (such as structural, functional, and spatial information, amino acid conservation, physicochemical variation, residue mobility, and thermodynamic stability) performed at Invitae indicates that this missense variant is not expected to disrupt RPGRIP1L protein function. In summary, the available evidence is currently insufficient to determine the role of this variant in disease. Therefore, it has been classified as a Variant of Uncertain Significance.

Fulgent Genetics
Classification: Uncertain significance for Joubert syndrome 7; Meckel syndrome, type 5; COACH syndrome 3. Last evaluated: 2022-02-15. Review status: criteria provided, single submitter. Criteria: ACMG Guidelines, 2015. Collection method: clinical testing. Allele origin: unknown.

PreventionGenetics, part of Exact Sciences
Classification: Uncertain significance for RPGRIP1L-related condition. Last evaluated: 2024-05-01. Review status: no assertion criteria provided. Collection method: clinical testing. Allele origin: germline. Not counted in ClinVar's aggregate classification.
Comment: The RPGRIP1L c.3449G>A variant is predicted to result in the amino acid substitution p.Arg1150Gln. To our knowledge, this variant has not been reported in the literature. This variant is reported in 0.0087% of alleles in individuals of Latino descent in gnomAD. At this time, the clinical significance of this variant is uncertain due to the absence of conclusive functional and genetic evidence.